The following is an entry in ClinVar:

NM_006214.4(PHYH):c.719dup (p.Glu241fs)

Gene: PHYH (phytanoyl-CoA 2-hydroxylase; minus strand). Cytogenetic location: 10p13.
Variant type: Duplication.
Coding change: c.719dup on transcript NM_006214.4 (MANE Select); coding-DNA position 719, one base duplicated (A; older notation c.719dupA).
Protein change: p.Glu241fs; shifts the reading frame from glutamic acid 241.
Molecular consequence: frameshift variant.
Genome position (GRCh38, 1-based): chr10:13,283,799, T duplicated on the plus strand (A on the coding strand, the reverse complement: PHYH is on the minus strand). VCF-style (leftmost placement, unchanged base first): chr10-13283798-C-CT. GRCh37 (hg19) VCF-style: chr10-13325798-C-CT.
Other names: c.725dup, p.Glu243fs (NM_001323082.2); c.455dup, p.Glu153fs (NM_001323083.2); c.425dup, p.Glu143fs (NM_001323084.2); c.419dup, p.Glu141fs (NM_001037537.2, NM_001323080.2); short protein forms E141fs, E143fs, E153fs, E241fs, E243fs.
Identifiers: ClinVar variation 5012368 (VCV005012368.1).
Genomic context (GRCh38, chr10:13,283,798, plus strand): 5'-AGGATGGAAGAAAACAGTGTCGCCCTTCTCCATCACCAGGTGCACCCGGGCCTTGTTTTC[C>CT]TCGTAGTCCTGGATCCCGTGGAACATTTTGTTAACTCCCCCCTAGAACAAGAGGCAAGTG-3'

ClinVar aggregate classification (germline): Pathogenic (1 of 4 stars; one submission).

Conditions:
Refsum disease, classic. Also called: HEREDOPATHIA ATACTICA POLYNEURITIFORMIS; HMSN IV; PHYTANIC ACID OXIDASE DEFICIENCY; PHYH-Related Refsum Disease. Identifiers: Orphanet 773, MedGen C5780941, MONDO:1060256, OMIM 266500. Disease mechanism: loss of function.

Submission:

Myriad Genetics, Inc.
Classification: Pathogenic for Refsum disease, classic. Last evaluated: 2023-10-06. Review status: criteria provided, single submitter. Criteria: Myriad Autosomal Dominant, Autosomal Recessive and X-Linked Classification Criteria (2023). Collection method: clinical testing. Allele origin: unknown.
Comment: NM_006214.3(PHYH):c.719dupA(E241Gfs*30) is expected to be pathogenic in the context of Refsum disease, PHYH-related. This variant is predicted to lead to an abnormal or absent protein product due to the creation of a premature termination codon in PHYH, a gene where loss-of-function variants are known to be pathogenic. Please note: this variant was assessed in the context of healthy population screening.